The following is an entry in ClinVar:

ClinVar aggregate classification (germline): Likely benign. Review status: criteria provided, single submitter (1 of 4 stars). 2 submissions from 2 submitters: Likely benign (1). 1 of the submissions does not count toward it. Last evaluated 2024-06-25.

Conditions:
MAST1-related disorder. Also called: MAST1-related condition.

Allele frequency attached by ClinVar (database versions not stated): TOPMed 0.00006; ExAC 0.00007; gnomAD 0.00007; gnomAD exomes 0.00008; ESP Exome Variant Server 0.00015; 1000 Genomes Project 30x 0.00016; 1000 Genomes Project 0.00020.
gnomAD v4.1: 125 of 1,613,902 alleles (0.0077%); highest among the groups gnomAD compares: Non-Finnish European, 0.0098%; no homozygotes.

Submissions (2):

Labcorp Genetics (formerly Invitae), Labcorp
Classification: Likely benign. Last evaluated: 2024-06-25. Review status: criteria provided, single submitter. Criteria: Invitae Variant Classification Sherloc (09022015). Collection method: clinical testing. Allele origin: germline.

PreventionGenetics, part of Exact Sciences
Classification: Likely benign for MAST1-related condition. Last evaluated: 2019-06-07. Review status: no assertion criteria provided. Collection method: clinical testing. Allele origin: germline. Not counted in ClinVar's aggregate classification.
Comment: This variant is classified as likely benign based on ACMG/AMP sequence variant interpretation guidelines (Richards et al. 2015 PMID: 25741868, with internal and published modifications).

NM_014975.3(MAST1):c.3263+8C>T

Gene: MAST1 (microtubule associated serine/threonine kinase 1; plus strand). Cytogenetic location: 19p13.13.
Variant type: single nucleotide variant.
Coding change: c.3263+8C>T on transcript NM_014975.3 (MANE Select); 8 bases into the intron after coding-DNA position 3263, C replaced by T.
Molecular consequence: intron variant.
Genome position (GRCh38, 1-based): chr19:12,871,180, C>T. VCF-style: chr19-12871180-C-T. GRCh37 (hg19) VCF-style: chr19-12981994-C-T.
Identifiers: ClinVar variation 3043896 (VCV003043896.4), dbSNP rs200425042, ClinGen allele CA9233354.
Genomic context (GRCh38, chr19:12,871,180, plus strand): 5'-GCTAAAATGGCTCGGAGGAACAAGCGACCCTCCGCCAAGGAGGGCCAGGAGAGGTGGGCA[C>T]AGCCGTAAACAGCCTGGTCTTTGAGCAGTGGGTGGAACTTAGGCGGGAGGGGCACAGATG-3'